The following is an entry in ClinVar:

NM_001543.5(NDST1):c.1749+8dup

Gene: NDST1 (N-deacetylase and N-sulfotransferase 1; plus strand). Cytogenetic location: 5q33.1.
Variant type: Duplication.
Coding change: c.1749+8dup on transcript NM_001543.5 (MANE Select); 8 bases into the intron after coding-DNA position 1749, one base duplicated (G; older notation c.1749+8dupG).
Molecular consequence: intron variant.
Genome position (GRCh38, 1-based): chr5:150,540,272, G duplicated; the last of 6 consecutive G bases (chr5:150,540,267-150,540,272); duplicating any one gives the same sequence. VCF-style (leftmost placement, unchanged base first): chr5-150540266-T-TG. GRCh37 (hg19) VCF-style: chr5-149919828-T-TG.
Other names: c.1749+8dup (NM_001301063.2); c.1749+8dupG (NM_001543.4).
Identifiers: ClinVar variation 435952 (VCV000435952.20), dbSNP rs528143978, ClinGen allele CA3512761.

ClinVar aggregate classification (germline): Conflicting classifications of pathogenicity. Review status: criteria provided, conflicting classifications (1 of 4 stars). 7 submissions from 7 submitters: Uncertain significance (1); Benign (1); Likely benign (1). 4 of the submissions do not count toward it. Last evaluated 2025-12-21.

Conditions:
NDST1-related disorder. Also called: NDST1-related condition.
Intellectual disability. Also called: intellectual disabilities; Intellectual functioning disability; Intellectual developmental disorder. Identifiers: HP:0002192, MedGen C3714756, MeSH D008607, MONDO:0001071.

Submissions (7):

Labcorp Genetics (formerly Invitae), Labcorp
Classification: Benign. Last evaluated: 2025-12-21. Review status: criteria provided, single submitter. Criteria: Invitae Variant Classification Sherloc (09022015). Collection method: clinical testing. Allele origin: germline.

Blueprint Genetics
Classification: Likely benign. Last evaluated: 2024-11-07. Review status: criteria provided, single submitter. Criteria: ACMG Guidelines, 2015. Collection method: clinical testing. Allele origin: germline.

Genetic Services Laboratory, University of Chicago
Classification: Uncertain significance. Last evaluated: 2016-09-14. Review status: criteria provided, single submitter. Criteria: ACMG Guidelines, 2015. Collection method: clinical testing. Allele origin: germline. Affected: no.

PreventionGenetics, part of Exact Sciences
Classification: Likely benign for NDST1-related condition. Last evaluated: 2019-09-09. Review status: no assertion criteria provided. Collection method: clinical testing. Allele origin: germline. Not counted in ClinVar's aggregate classification.
Comment: This variant is classified as likely benign based on ACMG/AMP sequence variant interpretation guidelines (Richards et al. 2015 PMID: 25741868, with internal and published modifications).

Centre de Biologie Pathologie Génétique, Centre Hospitalier Universitaire de Lille
Classification: Likely benign for Intellectual disability. Last evaluated: 2019-01-01. Review status: no assertion criteria provided. Collection method: clinical testing. Allele origin: inherited. Affected: yes. Not counted in ClinVar's aggregate classification.

Clinical Genetics DNA and cytogenetics Diagnostics Lab, Erasmus MC, Erasmus Medical Center
Classification: Likely benign. Review status: no assertion criteria provided. Collection method: clinical testing. Allele origin: germline. Affected: yes. Study: VKGL Data-share Consensus. Not counted in ClinVar's aggregate classification.

Genome Diagnostics Laboratory, University Medical Center Utrecht
Classification: Likely benign. Review status: no assertion criteria provided. Collection method: clinical testing. Allele origin: germline. Affected: yes. Study: VKGL Data-share Consensus. Not counted in ClinVar's aggregate classification.